The following is an entry in ClinVar:

NM_018180.3(DHX32):c.1334A>T (p.Asp445Val)

Genes: DHX32 (DEAH-box helicase 32 (putative); minus strand), BCCIP (BRCA2 and CDKN1A interacting protein; plus strand). Cytogenetic location: 10q26.2.
Variant type: single nucleotide variant.
Coding change: c.1334A>T on transcript NM_018180.3 (MANE Select); coding-DNA position 1334, A replaced by T.
Protein change: p.Asp445Val; replaces aspartic acid 445 with valine.
Molecular consequence: missense variant. On other transcripts: intron variant (1).
Genome position (GRCh38, 1-based): chr10:125,852,310, T>A on the plus strand (A>T on the coding strand, the complement: DHX32 is on the minus strand). VCF-style: chr10-125852310-T-A. GRCh37 (hg19) VCF-style: chr10-127540879-T-A.
Other names: c.851-815T>A (NM_016567.4); short protein forms D445V.
Identifiers: ClinVar variation 2097161 (VCV002097161.4), dbSNP rs1421365967, ClinGen allele CA378675025.

ClinVar aggregate classification (germline): Uncertain significance (1 of 4 stars; one submission).

Allele frequency attached by ClinVar (database versions not stated): TOPMed below 0.00001; gnomAD 0.00001; gnomAD exomes below 0.00001.
gnomAD v4.1: 2 of 1,614,014 alleles (0.00012%); highest among the groups gnomAD compares: Non-Finnish European, 0.00017%; no homozygotes.

Submission:

Labcorp Genetics (formerly Invitae), Labcorp
Classification: Uncertain significance. Last evaluated: 2022-12-30. Review status: criteria provided, single submitter. Criteria: Invitae Variant Classification Sherloc (09022015). Collection method: clinical testing. Allele origin: germline.
Comment: In summary, the available evidence is currently insufficient to determine the role of this variant in disease. Therefore, it has been classified as a Variant of Uncertain Significance. Algorithms developed to predict the effect of missense changes on protein structure and function are either unavailable or do not agree on the potential impact of this missense change (SIFT: "Deleterious"; PolyPhen-2: "Possibly Damaging"; Align-GVGD: "Class C0"). This variant has not been reported in the literature in individuals affected with DHX32-related conditions. This variant is present in population databases (no rsID available, gnomAD 0.002%). This sequence change replaces aspartic acid, which is acidic and polar, with valine, which is neutral and non-polar, at codon 445 of the DHX32 protein (p.Asp445Val).